The following is an entry in ClinVar:

ClinVar aggregate classification (germline): Uncertain significance (1 of 4 stars; one submission).

Conditions:
JAG1-related disorder. Also called: JAG1-related condition; JAG1-related disorders.

Submission:

PreventionGenetics, part of Exact Sciences
Classification: Uncertain significance for JAG1-related condition. Last evaluated: 2022-11-15. Review status: criteria provided, single submitter. Criteria: ACMG Guidelines, 2015. Collection method: clinical testing. Allele origin: germline.
Comment: The JAG1 c.1079G>T variant is predicted to result in the amino acid substitution p.Cys360Phe. To our knowledge, this variant has not been reported in the literature or in a large population database, indicating this variant is rare. An alternate amino acid substitution at this location (p.Cys360Gly) was reported in a patient with cardiac abnormalities and skeletal dysplasia, though no additional information was provided that could help establish pathogenicity (Hu et al. 2018. PubMed ID: 29536580). At this time, the clinical significance of this variant is uncertain due to the absence of conclusive functional and genetic evidence.

NM_000214.3(JAG1):c.1079G>T (p.Cys360Phe)

Gene: JAG1 (jagged canonical Notch ligand 1; minus strand). Cytogenetic location: 20p12.2.
Variant type: single nucleotide variant.
Coding change: c.1079G>T on transcript NM_000214.3 (MANE Select); coding-DNA position 1079, G replaced by T.
Protein change: p.Cys360Phe; replaces cysteine 360 with phenylalanine.
Molecular consequence: missense variant.
Genome position (GRCh38, 1-based): chr20:10,651,622, C>A on the plus strand (G>T on the coding strand, the complement: JAG1 is on the minus strand). VCF-style: chr20-10651622-C-A. GRCh37 (hg19) VCF-style: chr20-10632270-C-A.
Other names: short protein forms C360F.
Identifiers: ClinVar variation 2637337 (VCV002637337.1), dbSNP rs2514520714, ClinGen allele CA408238723.
Genomic context (GRCh38, chr20:10,651,622, plus strand): 5'-GGCTGAAAATTGGACTTACTTGTAGAGCATGTGGGGCCGGTCCAGCCTGGGGAACACTCA[C>A]ACTCAAAGCCCAGGGAGGTCTCCTTACAGCTGCCTCTGTTGTGACAGGGATCAGAGAGGC-3'
Protein context (NP_000205.1, residues 350-370): SCKETSLGFE[Cys360Phe]ECSPGWTGPT